The following is an entry in ClinVar:

NM_003998.4(NFKB1):c.2592+1G>T

Gene: NFKB1 (nuclear factor kappa B subunit 1; plus strand). Cytogenetic location: 4q24.
Variant type: single nucleotide variant.
Coding change: c.2592+1G>T on transcript NM_003998.4 (MANE Select); the canonical splice donor site of the intron after coding-DNA position 2592, G replaced by T.
Molecular consequence: splice donor variant.
Genome position (GRCh38, 1-based): chr4:102,612,607, G>T. VCF-style: chr4-102612607-G-T. GRCh37 (hg19) VCF-style: chr4-103533764-G-T.
Other names: c.2592+1G>T (NM_001382626.1, NM_001382625.1); c.2589+1G>T (NM_001382627.1, NM_001165412.2, NM_001319226.2); c.2550+1G>T (NM_001382628.1).
Identifiers: ClinVar variation 4730130 (VCV004730130.1).
Genomic context (GRCh38, chr4:102,612,607, plus strand): 5'-CTTAATAATGCCTTCCGGCTGAGTCCTGCTCCTTCCAAAACACTTATGGACAACTATGAG[G>T]TAACACCTTACCTTACAGATTTAGCAATTTTCATTTGACTTTACTCTGTTAACATCTCTG-3'

ClinVar aggregate classification (germline): Likely pathogenic (1 of 4 stars; one submission).

Submission:

Labcorp Genetics (formerly Invitae), Labcorp
Classification: Likely pathogenic. Last evaluated: 2025-10-29. Review status: criteria provided, single submitter. Criteria: Invitae Variant Classification Sherloc (09022015). Collection method: clinical testing. Allele origin: germline.
Comment: This sequence change affects a donor splice site in intron 22 of the NFKB1 gene. It is expected to disrupt RNA splicing. Variants that disrupt the donor or acceptor splice site typically lead to a loss of protein function (PMID: 16199547), and loss-of-function variants in NFKB1 are known to be pathogenic (PMID: 26279205, 29477724). This variant is not present in population databases (gnomAD no frequency). This variant has not been reported in the literature in individuals affected with NFKB1-related conditions. Algorithms developed to predict the effect of sequence changes on RNA splicing suggest that this variant may disrupt the consensus splice site. In summary, the currently available evidence indicates that the variant is pathogenic, but additional data are needed to prove that conclusively. Therefore, this variant has been classified as Likely Pathogenic.

Literature cited by the submitters: PubMed 16199547; PubMed 26279205; PubMed 29477724.